The following is an entry in ClinVar:

NM_000145.4(FSHR):c.*321A>T

Gene: FSHR (follicle stimulating hormone receptor; minus strand). Cytogenetic location: 2p16.3.
Variant type: single nucleotide variant.
Coding change: c.*321A>T on transcript NM_000145.4 (MANE Select); 321 bases downstream of the stop codon, A replaced by T.
Molecular consequence: 3 prime UTR variant.
Genome position (GRCh38, 1-based): chr2:48,962,412, T>A on the plus strand (A>T on the coding strand, the complement: FSHR is on the minus strand). VCF-style: chr2-48962412-T-A. GRCh37 (hg19) VCF-style: chr2-49189551-T-A.
Other names: c.*321A>T (NM_181446.3).
Identifiers: ClinVar variation 897606 (VCV000897606.4), dbSNP rs117897604, ClinGen allele CA47325627.

ClinVar aggregate classification (germline): Conflicting classifications of pathogenicity. Review status: criteria provided, conflicting classifications (1 of 4 stars). 2 submissions from 1 submitter: Uncertain significance (1); Likely benign (1). Last evaluated 2018-01-13.

Conditions:
Ovarian hyperstimulation syndrome (OHSS). Also called: OVARIAN HYPERSTIMULATION SYNDROME, FAMILIAL GESTATIONAL SPONTANEOUS. Identifiers: Orphanet 64739, MedGen C0085083, MONDO:0011972, OMIM 608115.
Ovarian dysgenesis 1 (ODG1). Also called: OVARIAN DYSGENESIS, HYPERGONADOTROPIC, AUTOSOMAL RECESSIVE; OVARIAN DYSGENESIS, HYPERGONADOTROPIC, WITH NORMAL KARYOTYPE; OVARIAN FAILURE, HYPERGONADOTROPIC; Gonadal dysgenesis XX type deafness; GONADAL DYSGENESIS, XX TYPE. Identifiers: Orphanet 243, MedGen C0949595, MONDO:0024463, OMIM 233300.

Allele frequency attached by ClinVar (database versions not stated): gnomAD 0.00006 and 0.00015; TOPMed 0.00015; gnomAD exomes 0.00020; 1000 Genomes Project 0.00060; 1000 Genomes Project 30x 0.00062.
gnomAD v4.1: 58 of 333,498 alleles (0.017%); highest among the groups gnomAD compares: East Asian, 0.43%; no homozygotes.

Submissions (2):

Illumina Laboratory Services, Illumina
Classification: Uncertain significance for Ovarian dysgenesis 1. Last evaluated: 2018-01-13. Review status: criteria provided, single submitter. Criteria: ICSL Variant Classification Criteria 13 December 2019. Collection method: clinical testing. Allele origin: germline.

Illumina Laboratory Services, Illumina
Classification: Likely benign for Ovarian hyperstimulation syndrome. Last evaluated: 2018-01-13. Review status: criteria provided, single submitter. Criteria: ICSL Variant Classification Criteria 13 December 2019. Collection method: clinical testing. Allele origin: germline.
Comment: This variant was observed in the ICSL laboratory as part of a predisposition screen in an ostensibly healthy population. It had not been previously curated by ICSL or reported in the Human Gene Mutation Database (HGMD: prior to June 1st, 2018), and was therefore a candidate for classification through an automated scoring system. Utilizing variant allele frequency, disease prevalence and penetrance estimates, and inheritance mode, an automated score was calculated to assess if this variant is too frequent to cause the disease. Based on the score and internal cut-off values, a variant classified as likely benign is not then subjected to further curation. The score for this variant resulted in a classification of likely benign for this disease.